The following is an entry in ClinVar:

NM_032119.4(ADGRV1):c.11032G>A (p.Val3678Ile)

Gene: ADGRV1 (adhesion G protein-coupled receptor V1; plus strand). Cytogenetic location: 5q14.3.
Variant type: single nucleotide variant.
Coding change: c.11032G>A on transcript NM_032119.4 (MANE Select); coding-DNA position 11032, G replaced by A.
Protein change: p.Val3678Ile; replaces valine 3678 with isoleucine.
Molecular consequence: missense variant. On other transcripts: non-coding transcript variant (1).
Genome position (GRCh38, 1-based): chr5:90,750,608, G>A. VCF-style: chr5-90750608-G-A. GRCh37 (hg19) VCF-style: chr5-90046425-G-A.
Other names: c.11032G>A (NM_032119.3); short protein forms V3678I.
Identifiers: ClinVar variation 1014564 (VCV001014564.11), dbSNP rs1343381340, ClinGen allele CA360362801.
Genomic context (GRCh38, chr5:90,750,608, plus strand): 5'-CAGAATTCATTATATAAGCAAGTGGAAGAAATGGAGCAAGATAGCCTAGTAACCTTGAAC[G>A]TTGAACGCTTAAAAGGAACATATGGCCGTATAACCATAGCATGGGAAGCTGATGGAAGTA-3'
Protein context (NP_115495.3, residues 3668-3688): MEQDSLVTLN[Val3678Ile]ERLKGTYGRI

ClinVar aggregate classification (germline): Conflicting classifications of pathogenicity. Review status: criteria provided, conflicting classifications (1 of 4 stars). 4 submissions from 4 submitters: Uncertain significance (3); Likely benign (1). Last evaluated 2025-09-10.

Allele frequency attached by ClinVar (database versions not stated): gnomAD exomes 0.00001; gnomAD 0.00005; TOPMed 0.00007.
gnomAD v4.1: 27 of 1,612,218 alleles (0.0017%); highest among the groups gnomAD compares: African/African-American, 0.0067%; no homozygotes.

Submissions (4):

Women's Health and Genetics/Laboratory Corporation of America, LabCorp
Classification: Uncertain significance. Last evaluated: 2025-09-10. Review status: criteria provided, single submitter. Criteria: LabCorp Variant Classification Summary - May 2015. Collection method: clinical testing. Allele origin: germline.
Comment: Variant summary: ADGRV1 c.11032G>A (p.Val3678Ile) results in a conservative amino acid change in the encoded protein sequence. Algorithms developed to predict the effect of missense changes on protein structure and function are either unavailable or do not agree on the potential impact of this missense change. The variant was absent in 248856 control chromosomes. The available data on variant occurrences in the general population are insufficient to allow any conclusion about variant significance. To our knowledge, no occurrence of c.11032G>A in individuals affected with ADGRV1-related conditions and no experimental evidence demonstrating its impact on protein function have been reported. ClinVar contains an entry for this variant (Variation ID: 1014564). Based on the evidence outlined above, the variant was classified as uncertain significance.

Labcorp Genetics (formerly Invitae), Labcorp
Classification: Likely benign. Last evaluated: 2025-06-14. Review status: criteria provided, single submitter. Criteria: Invitae Variant Classification Sherloc (09022015). Collection method: clinical testing. Allele origin: germline.

GeneDx
Classification: Uncertain significance. Last evaluated: 2024-12-02. Review status: criteria provided, single submitter. Criteria: GeneDx Variant Classification Process June 2021. Collection method: clinical testing. Allele origin: germline. Affected: yes.
Comment: In silico analysis indicates that this missense variant does not alter protein structure/function; Has not been previously published as pathogenic or benign to our knowledge

Blueprint Genetics
Classification: Uncertain significance. Last evaluated: 2019-03-20. Review status: criteria provided, single submitter. Criteria: ACMG Guidelines, 2015. Collection method: clinical testing. Allele origin: germline.